The following is an entry in ClinVar:

ClinVar aggregate classification (germline): Uncertain significance. Review status: criteria provided, multiple submitters, no conflicts (2 of 4 stars). 2 submissions from 2 submitters: Uncertain significance (2). Last evaluated 2022-08-12.

Conditions:
Joubert syndrome. Also called: CEREBELLOPARENCHYMAL DISORDER IV; JOUBERT-BOLTSHAUSER SYNDROME; Familial aplasia of the vermis. Identifiers: Orphanet 475, MedGen C5979921, MONDO:0018772.
Meckel-Gruber syndrome. Also called: DYSENCEPHALIA SPLANCHNOCYSTICA; GRUBER SYNDROME; Dysencephalia splachnocystica. Identifiers: Orphanet 564, MedGen C0265215, MONDO:0018921.
Inborn genetic diseases. Identifiers: MedGen C0950123, MeSH D030342.

Allele frequency attached by ClinVar (database versions not stated): gnomAD 0.00001; gnomAD exomes 0.00001; TOPMed 0.00002.
gnomAD v4.1: 18 of 1,614,068 alleles (0.0011%); highest among the groups gnomAD compares: Non-Finnish European, 0.0014%; no homozygotes.

Submissions (2):

Ambry Genetics
Classification: Uncertain significance for Inborn genetic diseases. Last evaluated: 2022-08-12. Review status: criteria provided, single submitter. Criteria: Ambry Variant Classification Scheme 2023. Collection method: clinical testing. Allele origin: germline.

Labcorp Genetics (formerly Invitae), Labcorp
Classification: Uncertain significance for Joubert syndrome; Meckel-Gruber syndrome. Last evaluated: 2021-08-17. Review status: criteria provided, single submitter. Criteria: Invitae Variant Classification Sherloc (09022015). Collection method: clinical testing. Allele origin: germline.
Comment: Algorithms developed to predict the effect of missense changes on protein structure and function are either unavailable or do not agree on the potential impact of this missense change (SIFT: "Deleterious"; PolyPhen-2: "Probably Damaging"; Align-GVGD: "Class C15"). This variant has not been reported in the literature in individuals affected with TCTN2-related conditions. This variant is not present in population databases (ExAC no frequency). This sequence change replaces glycine with arginine at codon 208 of the TCTN2 protein (p.Gly208Arg). The glycine residue is highly conserved and there is a moderate physicochemical difference between glycine and arginine. In summary, the available evidence is currently insufficient to determine the role of this variant in disease. Therefore, it has been classified as a Variant of Uncertain Significance.

NM_024809.5(TCTN2):c.622G>C (p.Gly208Arg)

Gene: TCTN2 (tectonic family member 2; plus strand). Cytogenetic location: 12q24.31.
Variant type: single nucleotide variant.
Coding change: c.622G>C on transcript NM_024809.5 (MANE Select); coding-DNA position 622, G replaced by C.
Protein change: p.Gly208Arg; replaces glycine 208 with arginine.
Molecular consequence: missense variant.
Genome position (GRCh38, 1-based): chr12:123,686,893, G>C. VCF-style: chr12-123686893-G-C. GRCh37 (hg19) VCF-style: chr12-124171440-G-C.
Other names: c.619G>C, p.Gly207Arg (NM_001143850.3); c.622G>C (NM_024809.3); short protein forms G207R, G208R.
Identifiers: ClinVar variation 1386648 (VCV001386648.6), dbSNP rs1026850270, ClinGen allele CA245195449.